The following is an entry in ClinVar:

NM_004004.6(GJB2):c.41dup (p.Asn14fs)

Gene: GJB2 (gap junction protein beta 2; minus strand). Cytogenetic location: 13q12.11.
Variant type: Duplication.
Coding change: c.41dup on transcript NM_004004.6 (MANE Select); coding-DNA position 41, one base duplicated (A; older notation c.41dupA).
Protein change: p.Asn14fs; shifts the reading frame from asparagine 14.
Molecular consequence: frameshift variant.
Genome position (GRCh38, 1-based): chr13:20,189,541, T duplicated on the plus strand (A on the coding strand, the reverse complement: GJB2 is on the minus strand); the first of 2 consecutive T bases (chr13:20,189,541-20,189,542); duplicating either gives the same sequence. VCF-style (leftmost placement, unchanged base first): chr13-20189540-G-GT. GRCh37 (hg19) VCF-style: chr13-20763679-G-GT.
Other names: c.41dupA (NM_004004.5); short protein forms N14fs.
Identifiers: ClinVar variation 1073145 (VCV001073145.10), dbSNP rs1165937383, ClinGen allele CA696363988.

ClinVar aggregate classification (germline): Pathogenic/Likely pathogenic. Review status: criteria provided, multiple submitters, no conflicts (2 of 4 stars). 2 submissions from 2 submitters: Pathogenic (1); Likely pathogenic (1). Last evaluated 2024-07-23.

Conditions:
Autosomal recessive nonsyndromic hearing loss 1A (DFNB1A). Also called: Deafness, autosomal recessive 1A; Nonsyndromic Hearing Loss and Deafness, DFNB1; GJB2-Related Autosomal Recessive Nonsyndromic Hearing Loss; GJB6-Related DFNB 1 Nonsyndromic Hearing Loss and Deafness; Connexin 26 deafness; Deafness nonsyndromic, Connexin 26 linked. Identifiers: Orphanet 90636, MedGen C2673759, MONDO:0009076, OMIM 220290.

Submissions (2):

Natera, Inc.
Classification: Likely pathogenic for Autosomal recessive deafness type 1A. Last evaluated: 2024-07-23. Review status: criteria provided, single submitter. Criteria: Natera Variant Classification Schema (03/2026). Collection method: clinical testing. Allele origin: germline.
Comment: The c.41dupA variant in GJB2 is a frameshift variant predicted to shift the reading frame beginning at codon 14 and leads to a stop codon 34 codons downstream. This variant is expected to result in nonsense mediated decay, truncation, or a dysfunctional protein product. This variant is rare in the general population with a frequency below the threshold expected for the associated phenotype(s). Given the available evidence, this variant is classified as Likely Pathogenic.

Labcorp Genetics (formerly Invitae), Labcorp
Classification: Pathogenic. Last evaluated: 2022-03-01. Review status: criteria provided, single submitter. Criteria: Invitae Variant Classification Sherloc (09022015). Collection method: clinical testing. Allele origin: germline.
Comment: This sequence change creates a premature translational stop signal (p.Asn14Lysfs*34) in the GJB2 gene. While this is not anticipated to result in nonsense mediated decay, it is expected to disrupt the last 213 amino acid(s) of the GJB2 protein. For these reasons, this variant has been classified as Pathogenic. This variant disrupts a region of the GJB2 protein in which other variant(s) (p.Arg216Ilefs*17) have been determined to be pathogenic (PMID: 11102979, 17041943, 17666888, 25288386, 28489599). This suggests that this is a clinically significant region of the protein, and that variants that disrupt it are likely to be disease-causing. ClinVar contains an entry for this variant (Variation ID: 1073145). This variant has not been reported in the literature in individuals affected with GJB2-related conditions. This variant is not present in population databases (gnomAD no frequency).

Literature cited by the submitters: PubMed 11102979 (cited by Labcorp Genetics (formerly Invitae), Labcorp); PubMed 17041943 (cited by Labcorp Genetics (formerly Invitae), Labcorp); PubMed 17666888 (cited by Labcorp Genetics (formerly Invitae), Labcorp); PubMed 25288386 (cited by Labcorp Genetics (formerly Invitae), Labcorp); PubMed 28489599 (cited by Labcorp Genetics (formerly Invitae), Labcorp).